The following is an entry in ClinVar:

ClinVar aggregate classification (germline): Pathogenic/Likely pathogenic. Review status: criteria provided, multiple submitters, no conflicts (2 of 4 stars). 2 submissions from 2 submitters: Pathogenic (1); Likely pathogenic (1). Last evaluated 2022-11-02.

Conditions:
Isolated microphthalmia 5. Also called: Posterior Microphthalmia with Retinitis Pigmentosa, Foveoschisis, and Optic Disc Drusen. Identifiers: Orphanet 251279, MedGen C1970236, MONDO:0012605, OMIM 611040.
MFRP-related disorder. Also called: MFRP-related condition; MFRP-related disorders.

Submissions (2):

Blueprint Genetics
Classification: Likely pathogenic for MFRP-related disorders. Last evaluated: 2022-11-02. Review status: criteria provided, single submitter. Criteria: ACMG Guidelines, 2015. Collection method: clinical testing. Allele origin: germline. Affected: yes. Observed: 1 variant allele.

Labcorp Genetics (formerly Invitae), Labcorp
Classification: Pathogenic for Isolated microphthalmia 5. Last evaluated: 2022-06-13. Review status: criteria provided, single submitter. Criteria: Invitae Variant Classification Sherloc (09022015). Collection method: clinical testing. Allele origin: germline.
Comment: This sequence change creates a premature translational stop signal (p.Pro96Leufs*6) in the MFRP gene. It is expected to result in an absent or disrupted protein product. Loss-of-function variants in MFRP are known to be pathogenic (PMID: 12140190, 15976030, 20361016). For these reasons, this variant has been classified as Pathogenic. This premature translational stop signal has been observed in individual(s) with nanophthalmos and retinal dystrophy (PMID: 26583794). In at least one individual the data is consistent with being in trans (on the opposite chromosome) from a pathogenic variant. This variant is not present in population databases (gnomAD no frequency).

Literature cited by the submitters: PubMed 12140190 (cited by Labcorp Genetics (formerly Invitae), Labcorp); PubMed 15976030 (cited by Labcorp Genetics (formerly Invitae), Labcorp); PubMed 20361016 (cited by Labcorp Genetics (formerly Invitae), Labcorp); PubMed 26583794 (cited by Labcorp Genetics (formerly Invitae), Labcorp).

NM_031433.4(MFRP):c.287_291del (p.Pro96fs)

Genes: C1QTNF5 (C1q and TNF related 5; minus strand), MFRP (membrane frizzled-related protein; minus strand). Cytogenetic location: 11q23.3.
Variant type: Deletion.
Coding change: c.287_291del on transcript NM_031433.4 (MANE Select); coding-DNA positions 287 to 291, 5 bases deleted (CCCCA; older notation c.287_291delCCCCA).
Protein change: p.Pro96fs; shifts the reading frame from proline 96.
Molecular consequence: frameshift variant. On other transcripts: 5 prime UTR variant (1).
Genome position (GRCh38, 1-based): chr11:119,345,909-119,345,913, TGGGG deleted on the plus strand (CCCCA on the coding strand, the reverse complement: MFRP is on the minus strand). VCF-style (leftmost placement, unchanged base first): chr11-119345908-ATGGGG-A. GRCh37 (hg19) VCF-style: chr11-119216618-ATGGGG-A.
Other names: c.-2350_-2346del (NM_015645.5); short protein forms P96fs.
Identifiers: ClinVar variation 1458089 (VCV001458089.9), dbSNP rs2135374097, ClinGen allele CA2573146917.